The following is an entry in ClinVar:

ClinVar aggregate classification (germline): Uncertain significance. Review status: criteria provided, multiple submitters, no conflicts (2 of 4 stars). 2 submissions from 2 submitters: Uncertain significance (2). Last evaluated 2021-12-30.

Conditions:
Cardiovascular phenotype. Identifiers: MedGen CN230736.
Dilated cardiomyopathy 2B. Identifiers: Orphanet 154, MedGen C3553409, MONDO:0013848, OMIM 614672.

Submissions (2):

Labcorp Genetics (formerly Invitae), Labcorp
Classification: Uncertain significance for Dilated cardiomyopathy 2B. Last evaluated: 2021-12-30. Review status: criteria provided, single submitter. Criteria: Invitae Variant Classification Sherloc (09022015). Collection method: clinical testing. Allele origin: germline.
Comment: In summary, the available evidence is currently insufficient to determine the role of this variant in disease. Therefore, it has been classified as a Variant of Uncertain Significance. Algorithms developed to predict the effect of missense changes on protein structure and function are either unavailable or do not agree on the potential impact of this missense change (SIFT: "Deleterious"; PolyPhen-2: "Benign"; Align-GVGD: "Class C45"). This variant has not been reported in the literature in individuals affected with GATAD1-related conditions. This variant is not present in population databases (gnomAD no frequency). This sequence change replaces methionine, which is neutral and non-polar, with threonine, which is neutral and polar, at codon 216 of the GATAD1 protein (p.Met216Thr).

Ambry Genetics
Classification: Uncertain significance for Cardiovascular phenotype. Last evaluated: 2019-10-15. Review status: criteria provided, single submitter. Criteria: Ambry Variant Classification Scheme 2023. Collection method: clinical testing. Allele origin: germline.
Comment: The p.M216T variant (also known as c.647T>C), located in coding exon 5 of the GATAD1 gene, results from a T to C substitution at nucleotide position 647. The methionine at codon 216 is replaced by threonine, an amino acid with similar properties. This amino acid position is well conserved in available vertebrate species. In addition, the in silico prediction for this alteration is inconclusive. Since supporting evidence is limited at this time, the clinical significance of this alteration remains unclear.

NM_021167.5(GATAD1):c.647T>C (p.Met216Thr)

Gene: GATAD1 (GATA zinc finger domain containing 1; plus strand). Cytogenetic location: 7q21.2.
Variant type: single nucleotide variant.
Coding change: c.647T>C on transcript NM_021167.5 (MANE Select); coding-DNA position 647, T replaced by C.
Protein change: p.Met216Thr; replaces methionine 216 with threonine.
Molecular consequence: missense variant. On other transcripts: non-coding transcript variant (1).
Genome position (GRCh38, 1-based): chr7:92,456,399, T>C. VCF-style: chr7-92456399-T-C. GRCh37 (hg19) VCF-style: chr7-92085713-T-C.
Other names: short protein forms M216T.
Identifiers: ClinVar variation 1753756 (VCV001753756.7), dbSNP rs2484541153, ClinGen allele CA368162722.